The following is an entry in ClinVar:

ClinVar aggregate classification (germline): Uncertain significance (1 of 4 stars; one submission).

Submission:

Ambry Genetics
Classification: Uncertain significance. Last evaluated: 2022-09-28. Review status: criteria provided, single submitter. Criteria: Ambry Variant Classification Scheme 2023. Collection method: clinical testing. Allele origin: germline.
Comment: The p.V39L variant (also known as c.115G>C), located in coding exon 1 of the BUB3 gene, results from a G to C substitution at nucleotide position 115. The valine at codon 39 is replaced by leucine, an amino acid with highly similar properties. This amino acid position is conserved. In addition, this alteration is predicted to be deleterious by in silico analysis. Since supporting evidence is limited at this time, the clinical significance of this alteration remains unclear.

NM_004725.4(BUB3):c.115G>C (p.Val39Leu)

Genes: BUB3 (BUB3 mitotic checkpoint protein; plus strand), LOC130004885 (ATAC-STARR-seq lymphoblastoid active region 4151; plus strand). Cytogenetic location: 10q26.13.
Variant type: single nucleotide variant.
Coding change: c.115G>C on transcript NM_004725.4 (MANE Select); coding-DNA position 115, G replaced by C.
Protein change: p.Val39Leu; replaces valine 39 with leucine.
Molecular consequence: missense variant.
Genome position (GRCh38, 1-based): chr10:123,155,032, G>C. VCF-style: chr10-123155032-G-C. GRCh37 (hg19) VCF-style: chr10-124914548-G-C.
Other names: c.115G>C, p.Val39Leu (NM_001007793.3); short protein forms V39L.
Identifiers: ClinVar variation 1736406 (VCV001736406.2), dbSNP rs576449356, ClinGen allele CA378624971.